The following is an entry in ClinVar:

ClinVar aggregate classification (germline): Uncertain significance (1 of 4 stars; one submission).

Allele frequency attached by ClinVar (database versions not stated): ExAC 0.00001.

Submission:

Labcorp Genetics (formerly Invitae), Labcorp
Classification: Uncertain significance. Last evaluated: 2021-12-24. Review status: criteria provided, single submitter. Criteria: Invitae Variant Classification Sherloc (09022015). Collection method: clinical testing. Allele origin: germline.
Comment: This sequence change replaces alanine, which is neutral and non-polar, with serine, which is neutral and polar, at codon 17 of the CD40 protein (p.Ala17Ser). This variant is present in population databases (rs770177808, gnomAD 0.003%). This variant has not been reported in the literature in individuals affected with CD40-related conditions. Algorithms developed to predict the effect of missense changes on protein structure and function output the following: SIFT: "Tolerated"; PolyPhen-2: "Benign"; Align-GVGD: "Class C0". The serine amino acid residue is found in multiple mammalian species, which suggests that this missense change does not adversely affect protein function. In summary, the available evidence is currently insufficient to determine the role of this variant in disease. Therefore, it has been classified as a Variant of Uncertain Significance.

NM_001250.6(CD40):c.49G>T (p.Ala17Ser)

Genes: CD40 (CD40 molecule; plus strand), LOC127893450 (CRISPRi-FlowFISH-validated CD40 regulatory element GRCh37_chr20:44746135-44748232; plus strand). Cytogenetic location: 20q13.12.
Variant type: single nucleotide variant.
Coding change: c.49G>T on transcript NM_001250.6 (MANE Select); coding-DNA position 49, G replaced by T.
Protein change: p.Ala17Ser; replaces alanine 17 with serine.
Molecular consequence: missense variant. On other transcripts: non-coding transcript variant (2).
Genome position (GRCh38, 1-based): chr20:46,118,392, G>T. VCF-style: chr20-46118392-G-T. GRCh37 (hg19) VCF-style: chr20-44747031-G-T.
Other names: c.49G>T, p.Ala17Ser (NM_001302753.2, NM_001322421.2, NM_001322422.2 and 2 more transcripts); short protein forms A17S.
Identifiers: ClinVar variation 1962050 (VCV001962050.2), dbSNP rs770177808, ClinGen allele CA9888333.
Genomic context (GRCh38, chr20:46,118,392, plus strand): 5'-TCTCACCTCGCTATGGTTCGTCTGCCTCTGCAGTGCGTCCTCTGGGGCTGCTTGCTGACC[G>T]CTGTGAGTTGTTTTTGCCCCGACCAGACGGGAGTTGGGAGTGGGGAATGAGAAGGAAAGG-3'
Protein context (NP_001241.1, residues 7-27): QCVLWGCLLT[Ala17Ser]VHPEPPTACR